The following is an entry in ClinVar:

NM_000038.6(APC):c.2375A>G (p.Lys792Arg)

Gene: APC (APC regulator of Wnt signaling pathway; plus strand). Cytogenetic location: 5q22.2.
Variant type: single nucleotide variant.
Coding change: c.2375A>G on transcript NM_000038.6 (MANE Select); coding-DNA position 2375, A replaced by G.
Protein change: p.Lys792Arg; replaces lysine 792 with arginine.
Molecular consequence: missense variant.
Genome position (GRCh38, 1-based): chr5:112,837,969, A>G. VCF-style: chr5-112837969-A-G. GRCh37 (hg19) VCF-style: chr5-112173666-A-G.
Other names: c.2375A>G, p.Lys792Arg (NM_001127510.3, NM_001354895.2, NM_001407450.1); c.2321A>G, p.Lys774Arg (NM_001127511.3); c.2429A>G, p.Lys810Arg (NM_001354896.2, NM_001407447.1, NM_001407448.1 and 1 more transcripts); c.2405A>G, p.Lys802Arg (NM_001354897.2); c.2300A>G, p.Lys767Arg (NM_001354898.2); c.2291A>G, p.Lys764Arg (NM_001354899.2); c.2252A>G, p.Lys751Arg (NM_001354900.2); c.2198A>G, p.Lys733Arg (NM_001354901.2, NM_001407453.1); and 11 more; short protein forms K408R, K663R, K701R, K709R, K767R, K802R, K810R, K820R.
Identifiers: ClinVar variation 2122360 (VCV002122360.4), dbSNP rs2149867636, ClinGen allele CA16026549.
Genomic context (GRCh38, chr5:112,837,969, plus strand): 5'-CTTTTGACAATATAGACAATTTAAGTCCCAAGGCATCTCATCGTAGTAAGCAGAGACACA[A>G]GCAAAGTCTCTATGGTGATTATGTTTTTGACACCAATCGACATGATGATAATAGGTCAGA-3'
Protein context (NP_000029.2, residues 782-802): KASHRSKQRH[Lys792Arg]QSLYGDYVFD

ClinVar aggregate classification (germline): Uncertain significance (1 of 4 stars; one submission).

Conditions:
Familial adenomatous polyposis 1 (FAP1). Also called: POLYPOSIS, ADENOMATOUS INTESTINAL; FAMILIAL ADENOMATOUS POLYPOSIS 1, ATTENUATED. Identifiers: MedGen C2713442, MONDO:0021056, OMIM 175100. Disease mechanism: loss of function.

Submission:

Labcorp Genetics (formerly Invitae), Labcorp
Classification: Uncertain significance for Familial adenomatous polyposis 1. Last evaluated: 2022-04-08. Review status: criteria provided, single submitter. Criteria: Invitae Variant Classification Sherloc (09022015). Collection method: clinical testing. Allele origin: germline.
Comment: Algorithms developed to predict the effect of missense changes on protein structure and function are either unavailable or do not agree on the potential impact of this missense change (SIFT: "Tolerated"; PolyPhen-2: "Possibly Damaging"; Align-GVGD: "Class C0"). In summary, the available evidence is currently insufficient to determine the role of this variant in disease. Therefore, it has been classified as a Variant of Uncertain Significance. This variant has not been reported in the literature in individuals affected with APC-related conditions. This variant is not present in population databases (gnomAD no frequency). This sequence change replaces lysine, which is basic and polar, with arginine, which is basic and polar, at codon 792 of the APC protein (p.Lys792Arg).